The following is an entry in ClinVar:

NM_001365276.2(TNXB):c.2692C>G (p.Leu898Val)

Gene: TNXB (tenascin XB; minus strand). Cytogenetic location: 6p21.33.
Variant type: single nucleotide variant.
Coding change: c.2692C>G on transcript NM_001365276.2 (MANE Select); coding-DNA position 2692, C replaced by G.
Protein change: p.Leu898Val; replaces leucine 898 with valine.
Molecular consequence: missense variant.
Genome position (GRCh38, 1-based): chr6:32,088,872, G>C on the plus strand (C>G on the coding strand, the complement: TNXB is on the minus strand). VCF-style: chr6-32088872-G-C. GRCh37 (hg19) VCF-style: chr6-32056649-G-C.
Other names: c.2692C>G, p.Leu898Val (NM_019105.8); short protein forms L898V.
Identifiers: ClinVar variation 2576129 (VCV002576129.1), dbSNP rs2483719398, ClinGen allele CA363460104.

ClinVar aggregate classification (germline): Uncertain significance (1 of 4 stars; one submission).

Submission:

Institute for Clinical Genetics, University Hospital TU Dresden, University Hospital TU Dresden
Classification: Uncertain significance. Last evaluated: 2023-05-04. Review status: criteria provided, single submitter. Criteria: ACMG Guidelines, 2015. Collection method: clinical testing. Allele origin: germline.
Comment: PM2_SUP